The following is an entry in ClinVar:

ClinVar aggregate classification (germline): Uncertain significance (1 of 4 stars; one submission).

Conditions:
Hereditary cancer-predisposing syndrome. Also called: Neoplastic Syndromes, Hereditary; Tumor predisposition; Hereditary Cancer Syndrome; Hereditary neoplastic syndrome. Identifiers: Orphanet 140162, MedGen C0027672, MeSH D009386, MONDO:0015356.

Submission:

Ambry Genetics
Classification: Uncertain significance for Hereditary cancer-predisposing syndrome. Last evaluated: 2021-06-15. Review status: criteria provided, single submitter. Criteria: Ambry Variant Classification Scheme 2023. Collection method: clinical testing. Allele origin: germline.
Comment: The p.T2382I variant (also known as c.7145C>T), located in coding exon 15 of the APC gene, results from a C to T substitution at nucleotide position 7145. The threonine at codon 2382 is replaced by isoleucine, an amino acid with similar properties. This amino acid position is well conserved in available vertebrate species. In addition, in silico predictors for this gene do not accurately predict pathogenicity. Since supporting evidence is limited at this time, the clinical significance of this alteration remains unclear.

NM_000038.6(APC):c.7145C>T (p.Thr2382Ile)

Gene: APC (APC regulator of Wnt signaling pathway; plus strand). Cytogenetic location: 5q22.2.
Variant type: single nucleotide variant.
Coding change: c.7145C>T on transcript NM_000038.6 (MANE Select); coding-DNA position 7145, C replaced by T.
Protein change: p.Thr2382Ile; replaces threonine 2382 with isoleucine.
Molecular consequence: missense variant.
Genome position (GRCh38, 1-based): chr5:112,842,739, C>T. VCF-style: chr5-112842739-C-T. GRCh37 (hg19) VCF-style: chr5-112178436-C-T.
Other names: c.7145C>T, p.Thr2382Ile (NM_001127510.3, NM_001354895.2, NM_001407450.1); c.7091C>T, p.Thr2364Ile (NM_001127511.3); c.7199C>T, p.Thr2400Ile (NM_001354896.2, NM_001407447.1, NM_001407448.1 and 1 more transcripts); c.7175C>T, p.Thr2392Ile (NM_001354897.2); c.7070C>T, p.Thr2357Ile (NM_001354898.2); c.7061C>T, p.Thr2354Ile (NM_001354899.2); c.7022C>T, p.Thr2341Ile (NM_001354900.2); c.6968C>T, p.Thr2323Ile (NM_001354901.2, NM_001407453.1); and 11 more; short protein forms T2256I, T2291I, T2341I, T2382I, T2400I, T2410I, T1998I, T2099I.
Identifiers: ClinVar variation 1757361 (VCV001757361.2), dbSNP rs2149980960, ClinGen allele CA16036894.
Genomic context (GRCh38, chr5:112,842,739, plus strand): 5'-GAAAAATGTCATATACATCTCCAGGTAGACAGATGAGCCAACAGAACCTTACCAAACAAA[C>T]AGGTTTATCCAAGAATGCCAGTAGTATTCCAAGAAGTGAGTCTGCCTCCAAAGGACTAAA-3'
Protein context (NP_000029.2, residues 2372-2392): QMSQQNLTKQ[Thr2382Ile]GLSKNASSIP